The following is an entry in ClinVar:

NM_018245.3(OGDHL):c.2853C>G (p.Tyr951Ter)

Gene: OGDHL (oxoglutarate dehydrogenase L; minus strand). Cytogenetic location: 10q11.23.
Variant type: single nucleotide variant.
Coding change: c.2853C>G on transcript NM_018245.3 (MANE Select); coding-DNA position 2853, C replaced by G.
Protein change: p.Tyr951Ter; replaces tyrosine 951 with a stop codon.
Molecular consequence: nonsense. On other transcripts: non-coding transcript variant (5).
Genome position (GRCh38, 1-based): chr10:49,736,079, G>C on the plus strand (C>G on the coding strand, the complement: OGDHL is on the minus strand). VCF-style: chr10-49736079-G-C. GRCh37 (hg19) VCF-style: chr10-50944125-G-C.
Other names: c.1656C>G, p.Tyr552Ter (NM_001347826.1); c.2682C>G, p.Tyr894Ter (NM_001143996.2, NM_001347820.1); c.2226C>G, p.Tyr742Ter (NM_001143997.2, NM_001347821.2, NM_001347822.1); c.2853C>G, p.Tyr951Ter (NM_001347819.1); c.2673C>G, p.Tyr891Ter (NM_001347823.1, NM_001347824.2); c.2046C>G, p.Tyr682Ter (NM_001347825.2); short protein forms Y894*, Y891*, Y552*, Y742*, Y682*, Y951*.
Identifiers: ClinVar variation 5007718 (VCV005007718.2).
Genomic context (GRCh38, chr10:49,736,079, plus strand): 5'-GTACCATATGGGCCGTGCGCGCCTCAGGATGGTCATGAAGCGTGGGCTGATGTAGTCATA[G>C]TAGCCCATGTTCTTGTGCTCCTCCTGACACCAGGCCAGCTCCGCACCTGGGTACTTCTCT-3'

ClinVar aggregate classification (germline): Uncertain significance (1 of 4 stars; one submission).

Conditions:
Yoon-Bellen neurodevelopmental syndrome (YOBELN). Identifiers: MedGen C5562066, MONDO:0859221, OMIM 619701.

Submission:

Juno Genomics, Hangzhou Juno Genomics, Inc
Classification: Uncertain significance for Yoon-Bellen neurodevelopmental syndrome. Review status: criteria provided, single submitter. Criteria: ACMG Guidelines, 2015. Collection method: clinical testing. Allele origin: germline.
Comment: Null variant in a gene where loss of function (LOF) is a known mechanism of disease.;Absent from controls (or at extremely low frequency if recessive) in Genome Aggregation Database.